The following is an entry in ClinVar:

ClinVar aggregate classification (germline): Uncertain significance (1 of 4 stars; one submission).

Conditions:
Inborn genetic diseases. Identifiers: MedGen C0950123, MeSH D030342.

Submission:

Ambry Genetics
Classification: Uncertain significance for Inborn genetic diseases. Last evaluated: 2019-09-05. Review status: criteria provided, single submitter. Criteria: Ambry Variant Classification Scheme 2023. Collection method: clinical testing. Allele origin: germline.
Comment: The p.M3275T variant (also known as c.9824T>C), located in coding exon 55 of the DST gene, results from a T to C substitution at nucleotide position 9824. The methionine at codon 3275 is replaced by threonine, an amino acid with similar properties. This amino acid position is highly conserved in available vertebrate species. In addition, the in silico prediction for this alteration is inconclusive. Since supporting evidence is limited at this time, the clinical significance of this alteration remains unclear.

NM_001374736.1(DST):c.16181T>C (p.Met5394Thr)

Gene: DST (dystonin; minus strand). Cytogenetic location: 6p12.1.
Variant type: single nucleotide variant.
Coding change: c.16181T>C on transcript NM_001374736.1 (MANE Select); coding-DNA position 16181, T replaced by C.
Protein change: p.Met5394Thr; replaces methionine 5394 with threonine.
Molecular consequence: missense variant.
Genome position (GRCh38, 1-based): chr6:56,552,611, A>G on the plus strand (T>C on the coding strand, the complement: DST is on the minus strand). VCF-style: chr6-56552611-A-G. GRCh37 (hg19) VCF-style: chr6-56417409-A-G.
Other names: c.9824T>C, p.Met3275Thr (NM_001144769.5); c.9410T>C, p.Met3137Thr (NM_001144770.2); c.16181T>C, p.Met5394Thr (NM_001374722.1); c.15548T>C, p.Met5183Thr (NM_001374729.1); c.9290T>C, p.Met3097Thr (NM_001374730.1, NM_001386100.1, NM_183380.4); c.16208T>C, p.Met5403Thr (NM_001374734.1); c.8312T>C, p.Met2771Thr (NM_015548.5); short protein forms M3137T, M3275T, M2771T, M3097T, M5183T, M5394T, M5403T.
Identifiers: ClinVar variation 1768329 (VCV001768329.2), dbSNP rs2535329996, ClinGen allele CA364514188.
Genomic context (GRCh38, chr6:56,552,611, plus strand): 5'-TCTCTCCCCACTGGAGCCATGCTATCCAGTTCATCATCAAACTCTGCGAACTGAGAAAAC[A>G]TTTCTCGAATGGTATTCTGGAAATGCCCAATGCCCTGAAGCTTGGTTTCTAAGAAAGAAC-3'
Protein context (NP_001361665.1, residues 5384-5404): IGHFQNTIRE[Met5394Thr]FSQFAEFDDE